The following is an entry in ClinVar:

ClinVar aggregate classification (germline): Likely benign (0 of 4 stars; one submission).

Conditions:
PLXNA1-related disorder. Also called: PLXNA1-related condition.

Allele frequency attached by ClinVar (database versions not stated): gnomAD exomes below 0.00001; ExAC 0.00002; TOPMed 0.00005; ESP Exome Variant Server 0.00008; gnomAD 0.00009.
gnomAD v4.1: 18 of 1,613,922 alleles (0.0011%); highest among the groups gnomAD compares: African/African-American, 0.023%; no homozygotes.

Submission:

PreventionGenetics, part of Exact Sciences
Classification: Likely benign for PLXNA1-related condition. Last evaluated: 2023-07-28. Review status: no assertion criteria provided. Collection method: clinical testing. Allele origin: germline.
Comment: This variant is classified as likely benign based on ACMG/AMP sequence variant interpretation guidelines (Richards et al. 2015 PMID: 25741868, with internal and published modifications).

NM_032242.4(PLXNA1):c.4482C>T (p.Ile1494=)

Gene: PLXNA1 (plexin A1; plus strand). Cytogenetic location: 3q21.3.
Variant type: single nucleotide variant.
Coding change: c.4482C>T on transcript NM_032242.4 (MANE Select); coding-DNA position 4482, C replaced by T.
Protein change: p.Ile1494=; no amino-acid change (isoleucine 1494 retained).
Molecular consequence: synonymous variant.
Genome position (GRCh38, 1-based): chr3:127,028,059, C>T. VCF-style: chr3-127028059-C-T. GRCh37 (hg19) VCF-style: chr3-126746902-C-T.
Identifiers: ClinVar variation 3061472 (VCV003061472.2), dbSNP rs367936689, ClinGen allele CA2594381.
Genomic context (GRCh38, chr3:127,028,059, plus strand): 5'-GGGCCCCATTGACGCCATCACGGGTGAGGCACGCTACTCCCTGAGTGAGGACAAGCTCAT[C>T]CGGCAGCAGATTGACTACAAGACACTGGTGAGCGTGGCTGCCCTCTGTCCTGGGTGCCCT-3'
Protein context (NP_115618.3, residues 1484-1504): ARYSLSEDKL[Ile1494=]RQQIDYKTLT